The following is an entry in ClinVar:

ClinVar aggregate classification (germline): Likely benign (1 of 4 stars; one submission).

Conditions:
AP4S1-related disorder.

Submission:

PreventionGenetics, part of Exact Sciences
Classification: Likely benign for AP4S1-related condition. Last evaluated: 2025-06-26. Review status: criteria provided, single submitter. Criteria: ACMG Guidelines, 2015. Collection method: clinical testing. Allele origin: germline.
Comment: This variant is classified as likely benign based on ACMG/AMP sequence variant interpretation guidelines (Richards et al. 2015 PMID: 25741868, with internal and published modifications).

NM_001128126.3(AP4S1):c.306+2936_306+2938dup

Gene: AP4S1 (adaptor related protein complex 4 subunit sigma 1; plus strand). Cytogenetic location: 14q12.
Variant type: Duplication.
Coding change: c.306+2936_306+2938dup on transcript NM_001128126.3 (MANE Select); bases 2936 to 2938 of the intron after coding-DNA position 306, 3 bases duplicated (TTT; older notation c.306+2936_306+2938dupTTT).
Molecular consequence: intron variant.
Genome position (GRCh38, 1-based): chr14:31,083,520-31,083,522, TTT duplicated; duplicating any 3 consecutive bases within chr14:31,083,497-31,083,522 gives the same sequence; the c. name uses the placement nearest the transcript's 3' end. VCF-style (leftmost placement, unchanged base first): chr14-31083496-C-CTTT. GRCh37 (hg19) VCF-style: chr14-31552702-C-CTTT.
Other names: c.306+2936_306+2938dup (NM_001254729.2, NM_001254728.2); c.367-6_367-4dup (NM_001254727.2); c.367-1249_367-1247dup (NM_007077.5); c.295-1249_295-1247dup (NM_001254726.2).
Identifiers: ClinVar variation 4980321 (VCV004980321.1).